The following is an entry in ClinVar:

NM_004655.4(AXIN2):c.1380T>C (p.Tyr460=)

Gene: AXIN2 (axin 2; minus strand). Cytogenetic location: 17q24.1.
Variant type: single nucleotide variant.
Coding change: c.1380T>C on transcript NM_004655.4 (MANE Select); coding-DNA position 1380, T replaced by C.
Protein change: p.Tyr460=; no amino-acid change (tyrosine 460 retained).
Molecular consequence: synonymous variant.
Genome position (GRCh38, 1-based): chr17:65,537,656, A>G on the plus strand (T>C on the coding strand, the complement: AXIN2 is on the minus strand). VCF-style: chr17-65537656-A-G. GRCh37 (hg19) VCF-style: chr17-63533774-A-G.
Other names: c.1380T>C (LRG_296t1); c.1380T>C, p.Tyr460= (NM_001363813.1).
Identifiers: ClinVar variation 415213 (VCV000415213.30), dbSNP rs566313620, ClinGen allele CA8718666.
Genomic context (GRCh38, chr17:65,537,656, plus strand): 5'-CAGGGAGTGGTACTGCGAATGGTGGTGGTGGTGGTGGTCCGGGGAGCGGGAGCGGGGGCT[A>G]TAGCGGCCTACGCCTGGAGACTGGCAGCCAGGGGTCTTGAGGACCCTGGACAGGTGATCG-3'
Protein context (NP_004646.3, residues 450-470): PGCQSPGVGR[Tyr460=]SPRSRSPDHH

ClinVar aggregate classification (germline): Benign/Likely benign. Review status: criteria provided, multiple submitters, no conflicts (2 of 4 stars). 12 submissions from 12 submitters: Benign (5); Likely benign (4). 3 of the submissions do not count toward it. Last evaluated 2026-01-28.

Conditions:
AXIN2-related disorder.
Hereditary cancer-predisposing syndrome. Also called: Tumor predisposition; Neoplastic Syndromes, Hereditary; Hereditary neoplastic syndrome; Hereditary Cancer Syndrome. Identifiers: Orphanet 140162, MedGen C0027672, MeSH D009386, MONDO:0015356.
Oligodontia-cancer predisposition syndrome. Also called: TOOTH AGENESIS-COLORECTAL CANCER SYNDROME. Identifiers: Orphanet 300576, MedGen C1837750, MONDO:0012075, OMIM 608615. Disease mechanism: loss of function.

Allele frequency attached by ClinVar (database versions not stated): gnomAD below 0.00001 and 0.00021; TOPMed 0.00003; gnomAD exomes 0.00035 and 0.00101; ExAC 0.00202; 1000 Genomes Project 30x 0.00219; 1000 Genomes Project 0.00240.
gnomAD v4.1: 527 of 1,567,814 alleles (0.034%); highest among the groups gnomAD compares: South Asian, 0.58%; 10 homozygotes.

Submissions (12):

Labcorp Genetics (formerly Invitae), Labcorp
Classification: Benign for Oligodontia-cancer predisposition syndrome. Last evaluated: 2026-01-28. Review status: criteria provided, single submitter. Criteria: Invitae Variant Classification Sherloc (09022015). Collection method: clinical testing. Allele origin: germline.

Center for Genomic Medicine, Rigshospitalet, Copenhagen University Hospital
Classification: Likely benign. Last evaluated: 2025-03-04. Review status: criteria provided, single submitter. Criteria: ACMG Guidelines, 2015. Collection method: clinical testing. Allele origin: germline.

Myriad Genetics, Inc.
Classification: Benign for Oligodontia-cancer predisposition syndrome. Last evaluated: 2024-07-03. Review status: criteria provided, single submitter. Criteria: Myriad Autosomal Dominant, Autosomal Recessive and X-Linked Classification Criteria (2023). Collection method: clinical testing. Allele origin: unknown.
Comment: This variant is considered benign. This variant is a silent/synonymous amino acid change and it is not expected to impact splicing.

KCCC/NGS Laboratory, Kuwait Cancer Control Center
Classification: Benign for Oligodontia-cancer predisposition syndrome. Last evaluated: 2023-07-07. Review status: criteria provided, single submitter. Criteria: ACMG Guidelines, 2015. Collection method: clinical testing. Allele origin: germline. Affected: yes.

Quest Diagnostics Nichols Institute San Juan Capistrano
Classification: Benign. Last evaluated: 2022-12-12. Review status: criteria provided, single submitter. Criteria: Quest Diagnostics criteria. Collection method: clinical testing. Allele origin: unknown.

Sema4
Classification: Benign for Hereditary cancer-predisposing syndrome. Last evaluated: 2021-06-29. Review status: criteria provided, single submitter. Criteria: Sema4 Curation Guidelines. Collection method: curation. Allele origin: germline.

GeneDx
Classification: Likely benign. Last evaluated: 2019-12-23. Review status: criteria provided, single submitter. Criteria: GeneDx Variant Classification Process June 2021. Collection method: clinical testing. Allele origin: germline. Affected: yes.

Ambry Genetics
Classification: Likely benign for Hereditary cancer-predisposing syndrome. Last evaluated: 2019-05-20. Review status: criteria provided, single submitter. Criteria: Ambry Variant Classification Scheme 2023. Collection method: clinical testing. Allele origin: germline.

Breakthrough Genomics
Classification: Likely benign. Review status: criteria provided, single submitter. Criteria: ACMG Guidelines, 2015. Collection method: not provided. Allele origin: germline. Inheritance: Autosomal dominant inheritance. Affected: yes.

PreventionGenetics, part of Exact Sciences
Classification: Likely benign for AXIN2-related condition. Last evaluated: 2024-03-11. Review status: no assertion criteria provided. Collection method: clinical testing. Allele origin: germline. Not counted in ClinVar's aggregate classification.
Comment: This variant is classified as likely benign based on ACMG/AMP sequence variant interpretation guidelines (Richards et al. 2015 PMID: 25741868, with internal and published modifications).

Clinical Genetics DNA and cytogenetics Diagnostics Lab, Erasmus MC, Erasmus Medical Center
Classification: Likely benign. Review status: no assertion criteria provided. Collection method: clinical testing. Allele origin: germline. Affected: yes. Study: VKGL Data-share Consensus. Not counted in ClinVar's aggregate classification.

Clinical Genetics, Academic Medical Center
Classification: Benign. Review status: no assertion criteria provided. Collection method: clinical testing. Allele origin: germline. Affected: yes. Study: VKGL Data-share Consensus. Not counted in ClinVar's aggregate classification.